The following is an entry in ClinVar:

NM_000538.4(RFXAP):c.279A>C (p.Leu93Phe)

Gene: RFXAP (regulatory factor X associated protein; plus strand). Cytogenetic location: 13q13.3.
Variant type: single nucleotide variant.
Coding change: c.279A>C on transcript NM_000538.4 (MANE Select); coding-DNA position 279, A replaced by C.
Protein change: p.Leu93Phe; replaces leucine 93 with phenylalanine.
Molecular consequence: missense variant.
Genome position (GRCh38, 1-based): chr13:36,819,636, A>C. VCF-style: chr13-36819636-A-C. GRCh37 (hg19) VCF-style: chr13-37393773-A-C.
Other names: short protein forms L93F.
Identifiers: ClinVar variation 849013 (VCV000849013.7), dbSNP rs985061791, ClinGen allele CA248179525.

ClinVar aggregate classification (germline): Uncertain significance. Review status: criteria provided, multiple submitters, no conflicts (2 of 4 stars). 2 submissions from 2 submitters: Uncertain significance (2). Last evaluated 2026-08-06.

Conditions:
MHC class II deficiency. Also called: BLS, TYPE II; Bare lymphocyte syndrome 2. Identifiers: Orphanet 572, MedGen C5447452, MONDO:0008855.
MHC class II deficiency 4. Identifiers: MedGen C1859537, MONDO:0971015, OMIM 620817.

Allele frequency attached by ClinVar (database versions not stated): gnomAD exomes 0.00001 and 0.00002; TOPMed 0.00002.
gnomAD v4.1: 26 of 1,546,756 alleles (0.0017%); highest among the groups gnomAD compares: Non-Finnish European, 0.0021%; no homozygotes.

Submissions (2):

OLLIN Analises Genomicas, OLLIN
Classification: Uncertain significance for MHC class II deficiency 4. Last evaluated: 2026-08-06. Review status: criteria provided, single submitter. Criteria: ACMG Guidelines 2015 PMID 25741868. Collection method: clinical testing. Allele origin: germline.
Comment: This missense variant, located in exon 1 (of 3), has been reported in ClinVar (accession VCV000849013.6) and in gnomAD with an allele frequency of 0.0017%. However, to our knowledge, it has not been reported in the scientific literature. In silico analysis predicts that this variant has a tolerated effect. According to the currently available evidence, this variant has been classified as uncertain significance (PM2_P, BP4_M).

Labcorp Genetics (formerly Invitae), Labcorp
Classification: Uncertain significance for MHC class II deficiency. Last evaluated: 2024-12-16. Review status: criteria provided, single submitter. Criteria: Invitae Variant Classification Sherloc (09022015). Collection method: clinical testing. Allele origin: germline.
Comment: This sequence change replaces leucine, which is neutral and non-polar, with phenylalanine, which is neutral and non-polar, at codon 93 of the RFXAP protein (p.Leu93Phe). This variant is present in population databases (no rsID available, gnomAD 0.004%). This variant has not been reported in the literature in individuals affected with RFXAP-related conditions. ClinVar contains an entry for this variant (Variation ID: 849013). Invitae Evidence Modeling of protein sequence and biophysical properties (such as structural, functional, and spatial information, amino acid conservation, physicochemical variation, residue mobility, and thermodynamic stability) indicates that this missense variant is not expected to disrupt RFXAP protein function with a negative predictive value of 80%. In summary, the available evidence is currently insufficient to determine the role of this variant in disease. Therefore, it has been classified as a Variant of Uncertain Significance.